The following is an entry in ClinVar:

NM_032043.3(BRIP1):c.1585G>C (p.Gly529Arg)

Gene: BRIP1 (BRCA1 interacting DNA helicase 1; minus strand). Cytogenetic location: 17q23.2.
Variant type: single nucleotide variant.
Coding change: c.1585G>C on transcript NM_032043.3 (MANE Select); coding-DNA position 1585, G replaced by C.
Protein change: p.Gly529Arg; replaces glycine 529 with arginine.
Molecular consequence: missense variant.
Genome position (GRCh38, 1-based): chr17:61,784,313, C>G on the plus strand (G>C on the coding strand, the complement: BRIP1 is on the minus strand). VCF-style: chr17-61784313-C-G. GRCh37 (hg19) VCF-style: chr17-59861674-C-G.
Other names: short protein forms G529R.
Identifiers: ClinVar variation 231723 (VCV000231723.16), dbSNP rs876659321, ClinGen allele CA10580837.

ClinVar aggregate classification (germline): Uncertain significance. Review status: criteria provided, multiple submitters, no conflicts (2 of 4 stars). 3 submissions from 3 submitters: Uncertain significance (3). Last evaluated 2025-08-23.

Conditions:
Fanconi anemia complementation group J. Also called: BRIP1-Related Fanconi Anemia. Identifiers: Orphanet 84, MedGen C1836860, MONDO:0012187, OMIM 609054.
Familial cancer of breast. Also called: Hereditary breast cancer; hereditary breast carcinoma; BREAST CANCER, FAMILIAL. Identifiers: Orphanet 227535, MedGen C0346153, MONDO:0016419, OMIM 114480. Disease mechanism: loss of function.
Hereditary cancer-predisposing syndrome. Also called: Hereditary Cancer Syndrome; Neoplastic Syndromes, Hereditary; Tumor predisposition; Hereditary neoplastic syndrome. Identifiers: Orphanet 140162, MedGen C0027672, MeSH D009386, MONDO:0015356.

gnomAD v4.1: 1 of 1,613,370 alleles (0.000062%); highest among the groups gnomAD compares: Middle Eastern, 0.017%; no homozygotes.

Submissions (3):

Ambry Genetics
Classification: Uncertain significance for Hereditary cancer-predisposing syndrome. Last evaluated: 2025-08-23. Review status: criteria provided, single submitter. Criteria: Ambry Variant Classification Scheme 2023. Collection method: clinical testing. Allele origin: germline.
Comment: The p.G529R variant (also known as c.1585G>C), located in coding exon 10 of the BRIP1 gene, results from a G to C substitution at nucleotide position 1585. The glycine at codon 529 is replaced by arginine, an amino acid with dissimilar properties. This amino acid position is well conserved in available vertebrate species. In addition, this alteration is predicted to be probably damaging and tolerated by PolyPhen and SIFT in silico analyses, respectively. Since supporting evidence is limited at this time, the clinical significance of this alteration remains unclear.

Color Diagnostics, LLC DBA Color Health
Classification: Uncertain significance for Hereditary cancer-predisposing syndrome. Last evaluated: 2023-12-05. Review status: criteria provided, single submitter. Criteria: ACMG Guidelines, 2015. Collection method: clinical testing. Allele origin: germline.
Comment: This missense variant replaces glycine with arginine at codon 529 of the BRIP1 protein. Computational prediction suggests that this variant may not impact protein structure and function (internally defined REVEL score threshold <= 0.5, PMID: 27666373). To our knowledge, functional studies have not been reported for this variant. This variant has not been reported in individuals affected with BRIP1-related disorders in the literature. This variant has not been identified in the general population by the Genome Aggregation Database (gnomAD). The available evidence is insufficient to determine the role of this variant in disease conclusively. Therefore, this variant is classified as a Variant of Uncertain Significance.

Labcorp Genetics (formerly Invitae), Labcorp
Classification: Uncertain significance for Familial cancer of breast; Fanconi anemia complementation group J. Last evaluated: 2021-08-31. Review status: criteria provided, single submitter. Criteria: Invitae Variant Classification Sherloc (09022015). Collection method: clinical testing. Allele origin: germline.
Comment: This sequence change replaces glycine with arginine at codon 529 of the BRIP1 protein (p.Gly529Arg). The glycine residue is moderately conserved and there is a moderate physicochemical difference between glycine and arginine. This variant is not present in population databases (ExAC no frequency). This variant has not been reported in the literature in individuals affected with BRIP1-related conditions. Algorithms developed to predict the effect of missense changes on protein structure and function are either unavailable or do not agree on the potential impact of this missense change (SIFT: "Deleterious"; PolyPhen-2: "Probably Damaging"; Align-GVGD: "Class C0"). In summary, the available evidence is currently insufficient to determine the role of this variant in disease. Therefore, it has been classified as a Variant of Uncertain Significance.